The following is an entry in ClinVar:

NM_005465.7(AKT3):c.245T>C (p.Val82Ala)

Gene: AKT3 (AKT serine/threonine kinase 3; minus strand). Cytogenetic location: 1q44.
Variant type: single nucleotide variant.
Coding change: c.245T>C on transcript NM_005465.7 (MANE Select); coding-DNA position 245, T replaced by C.
Protein change: p.Val82Ala; replaces valine 82 with alanine.
Molecular consequence: missense variant.
Genome position (GRCh38, 1-based): chr1:243,664,811, A>G on the plus strand (T>C on the coding strand, the complement: AKT3 is on the minus strand). VCF-style: chr1-243664811-A-G. GRCh37 (hg19) VCF-style: chr1-243828113-A-G.
Other names: c.245T>C, p.Val82Ala (NM_001206729.2, NM_001370074.1, NM_181690.2); short protein forms V82A.
Identifiers: ClinVar variation 4528186 (VCV004528186.1).

ClinVar aggregate classification (germline): Uncertain significance (1 of 4 stars; one submission).

Submission:

GeneDx
Classification: Uncertain significance. Last evaluated: 2025-05-08. Review status: criteria provided, single submitter. Criteria: GeneDx Variant Classification Process June 2021. Collection method: clinical testing. Allele origin: germline. Affected: yes.
Comment: Not observed at significant frequency in large population cohorts (gnomAD); In silico analysis supports that this missense variant has a deleterious effect on protein structure/function; Has not been previously published as pathogenic or benign to our knowledge